The following is an entry in ClinVar:

NM_002180.3(IGHMBP2):c.*665C>T

Gene: IGHMBP2 (immunoglobulin mu DNA binding protein 2; plus strand). Cytogenetic location: 11q13.3.
Variant type: single nucleotide variant.
Coding change: c.*665C>T on transcript NM_002180.3 (MANE Select); 665 bases downstream of the stop codon, C replaced by T.
Molecular consequence: 3 prime UTR variant.
Genome position (GRCh38, 1-based): chr11:68,940,396, C>T. VCF-style: chr11-68940396-C-T. GRCh37 (hg19) VCF-style: chr11-68707864-C-T.
Identifiers: ClinVar variation 305876 (VCV000305876.6), dbSNP rs9769, ClinGen allele CA10631451.

ClinVar aggregate classification (germline): Benign. Review status: criteria provided, multiple submitters, no conflicts (2 of 4 stars). 2 submissions from 2 submitters: Benign (2). Last evaluated 2018-01-13.

Conditions:
Autosomal recessive distal spinal muscular atrophy 1. Also called: HMN VI; NEURONOPATHY, SEVERE INFANTILE AXONAL, WITH RESPIRATORY FAILURE; SEVERE INFANTILE AXONAL NEUROPATHY WITH RESPIRATORY FAILURE; SPINAL MUSCULAR ATROPHY, DIAPHRAGMATIC; Spinal muscular atrophy with respiratory distress 1; NEURONOPATHY, DISTAL HEREDITARY MOTOR, HARDING TYPE VI. Identifiers: Orphanet 98920, MedGen C1858517, MONDO:0011436, OMIM 604320.

Allele frequency attached by ClinVar (database versions not stated): 1000 Genomes Project 0.07728; 1000 Genomes Project 30x 0.07776; gnomAD 0.13905 and 0.14339; TOPMed 0.14264; gnomAD exomes 0.20270.
gnomAD v4.1: 21,448 of 152,182 alleles (14%); highest among the groups gnomAD compares: Non-Finnish European, 21%; 2,058 homozygotes.

Submissions (2):

Illumina Laboratory Services, Illumina
Classification: Benign for Autosomal recessive distal spinal muscular atrophy 1. Last evaluated: 2018-01-13. Review status: criteria provided, single submitter. Criteria: ICSL Variant Classification Criteria 13 December 2019. Collection method: clinical testing. Allele origin: germline.
Comment: This variant was observed in the ICSL laboratory as part of a predisposition screen in an ostensibly healthy population. It had not been previously curated by ICSL or reported in the Human Gene Mutation Database (HGMD: prior to June 1st, 2018), and was therefore a candidate for classification through an automated scoring system. Utilizing variant allele frequency, disease prevalence and penetrance estimates, and inheritance mode, an automated score was calculated to assess if this variant is too frequent to cause the disease. Based on the score and internal cut-off values, a variant classified as benign is not then subjected to further curation. The score for this variant resulted in a classification of benign for this disease.

Breakthrough Genomics
Classification: Benign. Review status: criteria provided, single submitter. Criteria: ACMG Guidelines, 2015. Collection method: not provided. Allele origin: germline. Inheritance: Autosomal recessive inheritance. Affected: yes.